The following is an entry in ClinVar:

ClinVar aggregate classification (germline): Likely benign. Review status: criteria provided, multiple submitters, no conflicts (2 of 4 stars). 6 submissions from 6 submitters: Likely benign (6). Last evaluated 2026-05-22.

Conditions:
WT1-related disorder. Also called: WT1-related disorders. Identifiers: MedGen CN377814.
11p partial monosomy syndrome (WAGR). Also called: WAGR Complex; CHROMOSOME 11p13 DELETION SYNDROME; WAGR syndrome; WAGR Spectrum Disorder. Identifiers: Orphanet 893, MedGen C0206115, MONDO:0008681, OMIM 194072.
Wilms tumor 1 (WT1). Also called: Wilms tumor, somatic. Identifiers: Orphanet 654, MedGen CN033288, MONDO:0008679, OMIM 194070.
Frasier syndrome. Identifiers: Orphanet 347, MedGen C0950122, MeSH D052159, MONDO:0007635, OMIM 136680.
Drash syndrome (DDS). Also called: WILMS TUMOR AND PSEUDO- OR TRUE HERMAPHRODITISM; NEPHROPATHY, WILMS TUMOR, AND GENITAL ANOMALIES. Identifiers: Orphanet 220, MedGen C0950121, MONDO:0008682, OMIM 194080.
Nephrotic syndrome, type 4 (NPHS4). Also called: Familial mesangial sclerosis; Nephrotic syndrome, early onset with diffuse mesangial sclerosis. Identifiers: Orphanet 656, MedGen C3151568, MONDO:0009733, OMIM 256370.
Mesothelioma, malignant (MESOM). Also called: Malignant mesothelioma (disease). Identifiers: Orphanet 50251, MedGen C0345967, MONDO:0006292, OMIM 156240, HP:0100001.
Meacham syndrome. Also called: Meacham Winn Culler syndrome. Identifiers: Orphanet 3097, MedGen C1837026, MONDO:0012164, OMIM 608978.
Aniridia 1 (AN1). Identifiers: Orphanet 250923, MedGen C0344542, MONDO:0024507, OMIM 106210.
Inborn genetic diseases. Identifiers: MedGen C0950123, MeSH D030342.

Allele frequency attached by ClinVar (database versions not stated): 1000 Genomes Project 30x 0.00031; ESP Exome Variant Server 0.00031; gnomAD exomes 0.00002; ExAC 0.00004; gnomAD 0.00009 and 0.00010; TOPMed 0.00011; 1000 Genomes Project 0.00020.
gnomAD v4.1: 31 of 1,611,878 alleles (0.0019%); highest among the groups gnomAD compares: African/African-American, 0.031%; no homozygotes.

Submissions (6):

PreventionGenetics, part of Exact Sciences
Classification: Likely benign for WT1-related condition. Last evaluated: 2026-05-22. Review status: criteria provided, single submitter. Criteria: ACMG Guidelines, 2015. Collection method: clinical testing. Allele origin: germline.
Comment: This variant is classified as likely benign based on ACMG/AMP sequence variant interpretation guidelines (Richards et al. 2015 PMID: 25741868, with internal and published modifications).

Labcorp Genetics (formerly Invitae), Labcorp
Classification: Likely benign for Wilms tumor 1; Drash syndrome; 11p partial monosomy syndrome; Frasier syndrome. Last evaluated: 2025-12-22. Review status: criteria provided, single submitter. Criteria: Invitae Variant Classification Sherloc (09022015). Collection method: clinical testing. Allele origin: germline.

Mayo Clinic Laboratories, Mayo Clinic
Classification: Likely benign. Last evaluated: 2025-07-25. Review status: criteria provided, single submitter. Criteria: ACMG Guidelines, 2015. Collection method: clinical testing. Allele origin: germline. Observed: 1 variant allele.
Comment: BP4, BP7

Ambry Genetics
Classification: Likely benign for Inborn genetic diseases. Last evaluated: 2024-08-21. Review status: criteria provided, single submitter. Criteria: Ambry Variant Classification Scheme 2023. Collection method: clinical testing. Allele origin: germline.

Color Diagnostics, LLC DBA Color Health
Classification: Likely benign for Wilms tumor 1. Last evaluated: 2023-02-08. Review status: criteria provided, single submitter. Criteria: ACMG Guidelines, 2015. Collection method: clinical testing. Allele origin: germline.

Fulgent Genetics
Classification: Likely benign for Aniridia 1; Frasier syndrome; Mesothelioma, malignant; Wilms tumor 1; 11p partial monosomy syndrome; Drash syndrome; Nephrotic syndrome, type 4; Meacham syndrome. Last evaluated: 2021-12-23. Review status: criteria provided, single submitter. Criteria: ACMG Guidelines, 2015. Collection method: clinical testing. Allele origin: unknown.

NM_024426.6(WT1):c.849C>T (p.Thr283=)

Gene: WT1 (WT1 transcription factor; minus strand). Cytogenetic location: 11p13.
Variant type: single nucleotide variant.
Coding change: c.849C>T on transcript NM_024426.6 (MANE Select); coding-DNA position 849, C replaced by T.
Protein change: p.Thr283=; no amino-acid change (threonine 283 retained).
Molecular consequence: synonymous variant. On other transcripts: non-coding transcript variant (2).
Genome position (GRCh38, 1-based): chr11:32,427,994, G>A on the plus strand (C>T on the coding strand, the complement: WT1 is on the minus strand). VCF-style: chr11-32427994-G-A. GRCh37 (hg19) VCF-style: chr11-32449540-G-A.
Other names: p.Thr283=; c.849C>T, p.Thr283= (NM_000378.6, NM_001407044.1, NM_001407045.1 and 4 more transcripts); c.198C>T, p.Thr66= (NM_001198551.2, NM_001198552.2); c.726C>T, p.Thr242= (NM_001407047.1, NM_001407050.1); c.87C>T, p.Thr29= (NM_001407051.1); c.834C>T, p.Thr278= (NM_024425.2).
Identifiers: ClinVar variation 414082 (VCV000414082.18), dbSNP rs145425799, ClinGen allele CA065712.
Genomic context (GRCh38, chr11:32,427,994, plus strand): 5'-GCAGAGCCCAGCGCCTTCCTACCTGCTGTAGGGCGTCCTCAGCAGCAAAGCCTGGCTGCC[G>A]GTGCAGCTGTCGGTGGGGGTGTGGCAGCCATAGACCGGGGGCGGCACCGAGTACTGCTGC-3'
Protein context (NP_077744.4, residues 273-293): YGCHTPTDSC[Thr283=]GSQALLLRTP